The following is an entry in ClinVar:

NM_000092.5(COL4A4):c.2402G>A (p.Gly801Glu)

Gene: COL4A4 (collagen type IV alpha 4 chain; minus strand). Cytogenetic location: 2q36.3.
Variant type: single nucleotide variant.
Coding change: c.2402G>A on transcript NM_000092.5 (MANE Select); coding-DNA position 2402, G replaced by A.
Protein change: p.Gly801Glu; replaces glycine 801 with glutamic acid.
Molecular consequence: missense variant.
Genome position (GRCh38, 1-based): chr2:227,057,582, C>T on the plus strand (G>A on the coding strand, the complement: COL4A4 is on the minus strand). VCF-style: chr2-227057582-C-T. GRCh37 (hg19) VCF-style: chr2-227922298-C-T.
Other names: short protein forms G801E.
Identifiers: ClinVar variation 1981646 (VCV001981646.2), dbSNP rs200814061, ClinGen allele CA350841503.

ClinVar aggregate classification (germline): Conflicting classifications of pathogenicity. Review status: criteria provided, conflicting classifications (1 of 4 stars). 2 submissions from 2 submitters: Likely pathogenic (1); Uncertain significance (1). Last evaluated 2024-04-07.

Conditions:
Hematuria, benign familial, 1 (BFH1). Also called: THIN MEMBRANE NEPHROPATHY. Identifiers: MedGen CN376803, MONDO:0007709, OMIM 141200.
Autosomal recessive Alport syndrome (ATS2). Also called: COL4A3-Related Nephropathy; Alport syndrome type 2; COL4A4 Alport Syndrome and Thin Basement Membrane Nephropathy; ALPORT SYNDROME 2, AUTOSOMAL RECESSIVE. Identifiers: Orphanet 63, Orphanet 88919, MedGen C4746745, MONDO:0008762, OMIM 203780.

gnomAD v4.1: 2 of 1,614,120 alleles (0.00012%); highest among the groups gnomAD compares: Non-Finnish European, 0.00017%; no homozygotes.

Submissions (2):

Fulgent Genetics
Classification: Likely pathogenic for Hematuria, benign familial, 1; Autosomal recessive Alport syndrome. Last evaluated: 2024-04-07. Review status: criteria provided, single submitter. Criteria: ACMG Guidelines, 2015. Collection method: clinical testing. Allele origin: germline.

Labcorp Genetics (formerly Invitae), Labcorp
Classification: Uncertain significance. Last evaluated: 2020-06-30. Review status: criteria provided, single submitter. Criteria: Invitae Variant Classification Sherloc (09022015). Collection method: clinical testing. Allele origin: germline.
Comment: This sequence change replaces glycine with glutamic acid at codon 801 of the COL4A4 protein (p.Gly801Glu). The glycine residue is highly conserved and there is a moderate physicochemical difference between glycine and glutamic acid. This variant is not present in population databases (ExAC no frequency). This variant has not been reported in the literature in individuals with COL4A4-related conditions. Algorithms developed to predict the effect of missense changes on protein structure and function are either unavailable or do not agree on the potential impact of this missense change (SIFT: "Deleterious"; PolyPhen-2: "Probably Damaging"; Align-GVGD: "Class C0"). In summary, the available evidence is currently insufficient to determine the role of this variant in disease. Therefore, it has been classified as a Variant of Uncertain Significance.